The following is an entry in ClinVar:

NM_024753.5(TTC21B):c.158C>T (p.Thr53Ile)

Gene: TTC21B (tetratricopeptide repeat domain 21B; minus strand). Cytogenetic location: 2q24.3.
Variant type: single nucleotide variant.
Coding change: c.158C>T on transcript NM_024753.5 (MANE Select); coding-DNA position 158, C replaced by T.
Protein change: p.Thr53Ile; replaces threonine 53 with isoleucine.
Molecular consequence: missense variant.
Genome position (GRCh38, 1-based): chr2:165,949,498, G>A on the plus strand (C>T on the coding strand, the complement: TTC21B is on the minus strand). VCF-style: chr2-165949498-G-A. GRCh37 (hg19) VCF-style: chr2-166806008-G-A.
Other names: short protein forms T53I.
Identifiers: ClinVar variation 4980800 (VCV004980800.1).

ClinVar aggregate classification (germline): Uncertain significance (1 of 4 stars; one submission).

Conditions:
TTC21B-related disorder. Also called: TTC21B-related condition; TTC21B-related disorders.

gnomAD v4.1: 1 of 1,613,446 alleles (0.000062%); highest among the groups gnomAD compares: Admixed American, 0.0017%; no homozygotes.

Submission:

PreventionGenetics, part of Exact Sciences
Classification: Uncertain significance for TTC21B-related condition. Last evaluated: 2025-09-24. Review status: criteria provided, single submitter. Criteria: ACMG Guidelines, 2015. Collection method: clinical testing. Allele origin: germline.
Comment: The TTC21B c.158C>T variant is predicted to result in the amino acid substitution p.Thr53Ile. To our knowledge, this variant has not been reported in the literature. This variant is reported in 0.0054% of alleles in individuals of East Asian descent in gnomAD. At this time, the clinical significance of this variant is uncertain due to the absence of conclusive functional and genetic evidence.